The following is an entry in ClinVar:

NM_001754.5(RUNX1):c.*264C>T

Gene: RUNX1 (RUNX family transcription factor 1; minus strand). Cytogenetic location: 21q22.12.
Variant type: single nucleotide variant.
Coding change: c.*264C>T on transcript NM_001754.5 (MANE Select); 264 bases downstream of the stop codon, C replaced by T.
Molecular consequence: 3 prime UTR variant.
Genome position (GRCh38, 1-based): chr21:34,791,871, G>A on the plus strand (C>T on the coding strand, the complement: RUNX1 is on the minus strand). VCF-style: chr21-34791871-G-A. GRCh37 (hg19) VCF-style: chr21-36164168-G-A.
Other names: c.*264C>T (NM_001001890.3).
Identifiers: ClinVar variation 339867 (VCV000339867.6), dbSNP rs560356828, ClinGen allele CA10653573.

ClinVar aggregate classification (germline): Benign. Review status: reviewed by expert panel (3 of 4 stars). 2 submissions from 2 submitters: Benign (1). 1 of the submissions does not count toward it. Last evaluated 2022-07-05.

Conditions:
Hereditary thrombocytopenia and hematologic cancer predisposition syndrome. Identifiers: Orphanet 71290, MedGen CN281654, MONDO:0011071.
Hereditary thrombocytopenia and hematological cancer predisposition syndrome associated with RUNX1. Also called: PLATELET DISORDER, ASPIRIN-LIKE; RUNX1 Familial Platelet Disorder with Associated Myeloid Malignancies; Familial Platelet Disorder with Propensity to Acute Myelogenous Leukemia; Familial thrombocytopenia with propensity to acute myelogenous leukemia. Identifiers: Orphanet 71290, MedGen C1832388, MeSH C563324, MONDO:0100083, OMIM 601399.

Allele frequency attached by ClinVar (database versions not stated): TOPMed 0.00007; gnomAD exomes 0.00024; 1000 Genomes Project 0.00120; 1000 Genomes Project 30x 0.00125.
gnomAD v4.1: 66 of 259,332 alleles (0.025%); highest among the groups gnomAD compares: South Asian, 0.52%; no homozygotes.

Submissions (2):

ClinGen Myeloid Malignancy Variant Curation Expert Panel
Classification: Benign for Hereditary thrombocytopenia and hematologic cancer predisposition syndrome. Last evaluated: 2022-07-05. Review status: reviewed by expert panel. Criteria: ClinGen MyeloMalig ACMG Specifications v2. Collection method: curation. Allele origin: germline. Inheritance: Autosomal dominant inheritance.
Comment: NM_001754.5(RUNX1):c.*264C>T is a 3' UTR variant. MAF 0.006002 (0.6002%, 29/4832) in the South Asian subpopulation of the gnomAD v3.1.2 cohort is ≥ 0.0015 (0.15%). In summary, this variant meets the criteria to be classified as benign. ACMG/AMP criteria applied, as specified by the Myeloid Malignancy Variant Curation Expert Panel for RUNX1: BA1

Illumina Laboratory Services, Illumina
Classification: Benign for Hereditary thrombocytopenia and hematological cancer predisposition syndrome associated with RUNX1. Last evaluated: 2018-01-12. Review status: criteria provided, single submitter. Criteria: ICSL Variant Classification Criteria 13 December 2019. Collection method: clinical testing. Allele origin: germline. Not counted in ClinVar's aggregate classification.
Comment: This variant was observed in the ICSL laboratory as part of a predisposition screen in an ostensibly healthy population. It had not been previously curated by ICSL or reported in the Human Gene Mutation Database (HGMD: prior to June 1st, 2018), and was therefore a candidate for classification through an automated scoring system. Utilizing variant allele frequency, disease prevalence and penetrance estimates, and inheritance mode, an automated score was calculated to assess if this variant is too frequent to cause the disease. Based on the score and internal cut-off values, a variant classified as benign is not then subjected to further curation. The score for this variant resulted in a classification of benign for this disease.